The following is an entry in ClinVar:

NM_000632.4(ITGAM):c.2700T>A (p.Asn900Lys)

Gene: ITGAM (integrin subunit alpha M; plus strand). Cytogenetic location: 16p11.2.
Variant type: single nucleotide variant.
Coding change: c.2700T>A on transcript NM_000632.4 (MANE Select); coding-DNA position 2700, T replaced by A.
Protein change: p.Asn900Lys; replaces asparagine 900 with lysine.
Molecular consequence: missense variant.
Genome position (GRCh38, 1-based): chr16:31,326,927, T>A. VCF-style: chr16-31326927-T-A. GRCh37 (hg19) VCF-style: chr16-31338248-T-A.
Other names: c.2703T>A, p.Asn901Lys (NM_001145808.2); short protein forms N901K, N900K.
Identifiers: ClinVar variation 1415525 (VCV001415525.8), dbSNP rs553934657, ClinGen allele CA8025910.

ClinVar aggregate classification (germline): Uncertain significance (1 of 4 stars; one submission).

Allele frequency attached by ClinVar (database versions not stated): gnomAD 0.00001 and 0.00004; ExAC 0.00003; 1000 Genomes Project 0.00060; 1000 Genomes Project 30x 0.00078.
gnomAD v4.1: 10 of 1,611,150 alleles (0.00062%); highest among the groups gnomAD compares: East Asian, 0.022%; no homozygotes.

Submission:

Labcorp Genetics (formerly Invitae), Labcorp
Classification: Uncertain significance. Last evaluated: 2024-12-07. Review status: criteria provided, single submitter. Criteria: Invitae Variant Classification Sherloc (09022015). Collection method: clinical testing. Allele origin: germline.
Comment: This sequence change replaces asparagine, which is neutral and polar, with lysine, which is basic and polar, at codon 900 of the ITGAM protein (p.Asn900Lys). This variant is present in population databases (rs553934657, gnomAD 0.02%). This variant has not been reported in the literature in individuals affected with ITGAM-related conditions. ClinVar contains an entry for this variant (Variation ID: 1415525). An algorithm developed to predict the effect of missense changes on protein structure and function outputs the following: PolyPhen-2: "Benign". The lysine amino acid residue is found in multiple mammalian species, which suggests that this missense change does not adversely affect protein function. In summary, the available evidence is currently insufficient to determine the role of this variant in disease. Therefore, it has been classified as a Variant of Uncertain Significance.